The following is an entry in ClinVar:

NM_015509.4(NECAP1):c.268C>T (p.Arg90Cys)

Gene: NECAP1 (NECAP endocytosis associated 1; plus strand). Cytogenetic location: 12p13.31.
Variant type: single nucleotide variant.
Coding change: c.268C>T on transcript NM_015509.4 (MANE Select); coding-DNA position 268, C replaced by T.
Protein change: p.Arg90Cys; replaces arginine 90 with cysteine.
Molecular consequence: missense variant. On other transcripts: non-coding transcript variant (1).
Genome position (GRCh38, 1-based): chr12:8,090,266, C>T. VCF-style: chr12-8090266-C-T. GRCh37 (hg19) VCF-style: chr12-8242862-C-T.
Other names: short protein forms R90C.
Identifiers: ClinVar variation 475006 (VCV000475006.10), dbSNP rs374365372, ClinGen allele CA6432215.

ClinVar aggregate classification (germline): Uncertain significance (1 of 4 stars; one submission).

Conditions:
Developmental and epileptic encephalopathy, 21 (DEE21). Also called: Early infantile epileptic encephalopathy 21. Identifiers: Orphanet 442835, MedGen C4014430, MONDO:0014360, OMIM 615833.

Allele frequency attached by ClinVar (database versions not stated): TOPMed 0.00002; ESP Exome Variant Server 0.00015.
gnomAD v4.1: 16 of 1,613,988 alleles (0.00099%); highest among the groups gnomAD compares: African/African-American, 0.0013%; no homozygotes.

Submission:

Labcorp Genetics (formerly Invitae), Labcorp
Classification: Uncertain significance for Developmental and epileptic encephalopathy, 21. Last evaluated: 2022-12-02. Review status: criteria provided, single submitter. Criteria: Invitae Variant Classification Sherloc (09022015). Collection method: clinical testing. Allele origin: germline.
Comment: In summary, the available evidence is currently insufficient to determine the role of this variant in disease. Therefore, it has been classified as a Variant of Uncertain Significance. Algorithms developed to predict the effect of missense changes on protein structure and function are either unavailable or do not agree on the potential impact of this missense change (SIFT: "Deleterious"; PolyPhen-2: "Possibly Damaging"; Align-GVGD: "Class C0"). ClinVar contains an entry for this variant (Variation ID: 475006). This variant has not been reported in the literature in individuals affected with NECAP1-related conditions. This variant is present in population databases (rs374365372, gnomAD 0.01%). This sequence change replaces arginine, which is basic and polar, with cysteine, which is neutral and slightly polar, at codon 90 of the NECAP1 protein (p.Arg90Cys).